The following is an entry in ClinVar:

NM_000702.4(ATP1A2):c.1652-18C>A

Gene: ATP1A2 (ATPase Na+/K+ transporting subunit alpha 2; plus strand). Cytogenetic location: 1q23.2.
Variant type: single nucleotide variant.
Coding change: c.1652-18C>A on transcript NM_000702.4 (MANE Select); 18 bases into the intron before coding-DNA position 1652, C replaced by A.
Molecular consequence: intron variant.
Genome position (GRCh38, 1-based): chr1:160,130,404, C>A. VCF-style: chr1-160130404-C-A. GRCh37 (hg19) VCF-style: chr1-160100194-C-A.
Identifiers: ClinVar variation 136449 (VCV000136449.12), dbSNP rs372842016, ClinGen allele CA289580.

ClinVar aggregate classification (germline): Benign/Likely benign. Review status: criteria provided, multiple submitters, no conflicts (2 of 4 stars). 8 submissions from 5 submitters: Benign (5); Likely benign (3). Last evaluated 2025-12-22.

Conditions:
Fetal akinesia, respiratory insufficiency, microcephaly, polymicrogyria, and dysmorphic facies. Identifiers: MedGen C5562015, MONDO:0859204, OMIM 619602.
Developmental and epileptic encephalopathy 98. Identifiers: MedGen C5562017, MONDO:0030472, OMIM 619605.
Familial hemiplegic migraine. Identifiers: MedGen C0338484, MONDO:0000700.
Alternating hemiplegia of childhood 1 (AHC1). Identifiers: Orphanet 2131, MedGen C3549447, MONDO:0007087, OMIM 104290.
Migraine, familial hemiplegic, 2. Identifiers: Orphanet 569, MedGen C1865322, MONDO:0011232, OMIM 602481.

Allele frequency attached by ClinVar (database versions not stated): ESP Exome Variant Server 0.00015; gnomAD 0.00015 and 0.00016; TOPMed 0.00025; ExAC 0.00026; gnomAD exomes 0.00028.
gnomAD v4.1: 385 of 1,614,214 alleles (0.024%); highest among the groups gnomAD compares: Middle Eastern, 1.1%; 4 homozygotes.

Submissions (8):

Labcorp Genetics (formerly Invitae), Labcorp
Classification: Likely benign for Familial hemiplegic migraine. Last evaluated: 2025-12-22. Review status: criteria provided, single submitter. Criteria: Invitae Variant Classification Sherloc (09022015). Collection method: clinical testing. Allele origin: germline.

Blueprint Genetics
Classification: Likely benign. Last evaluated: 2024-09-27. Review status: criteria provided, single submitter. Criteria: ACMG Guidelines, 2015. Collection method: clinical testing. Allele origin: germline.

Genome-Nilou Lab
Classification: Benign for Alternating hemiplegia of childhood 1. Last evaluated: 2021-12-05. Review status: criteria provided, single submitter. Criteria: ACMG Guidelines, 2015. Collection method: clinical testing. Allele origin: germline. Affected: no.

Genome-Nilou Lab
Classification: Benign for Developmental and epileptic encephalopathy 98. Last evaluated: 2021-12-05. Review status: criteria provided, single submitter. Criteria: ACMG Guidelines, 2015. Collection method: clinical testing. Allele origin: germline. Affected: no.

Genome-Nilou Lab
Classification: Benign for Fetal akinesia, respiratory insufficiency, microcephaly, polymicrogyria, and dysmorphic facies. Last evaluated: 2021-12-05. Review status: criteria provided, single submitter. Criteria: ACMG Guidelines, 2015. Collection method: clinical testing. Allele origin: germline. Affected: no.

Genome-Nilou Lab
Classification: Benign for Migraine, familial hemiplegic, 2. Last evaluated: 2021-12-05. Review status: criteria provided, single submitter. Criteria: ACMG Guidelines, 2015. Collection method: clinical testing. Allele origin: germline. Affected: no.

GeneDx
Classification: Benign. Last evaluated: 2014-03-19. Review status: criteria provided, single submitter. Criteria: GeneDx Variant Classification (06012015). Collection method: clinical testing. Allele origin: germline. Affected: yes.
Comment: This variant is considered likely benign or benign based on one or more of the following criteria: it is a conservative change, it occurs at a poorly conserved position in the protein, it is predicted to be benign by multiple in silico algorithms, and/or has population frequency not consistent with disease.

Breakthrough Genomics
Classification: Likely benign. Review status: criteria provided, single submitter. Criteria: ACMG Guidelines, 2015. Collection method: not provided. Allele origin: germline. Inheritance: Autosomal recessive inheritance. Affected: yes.